The following is an entry in ClinVar:

ClinVar aggregate classification (germline): Likely benign (0 of 4 stars; one submission).

Conditions:
AGO3-related disorder. Also called: AGO3-related condition.

Allele frequency attached by ClinVar (database versions not stated): ExAC 0.00005; gnomAD 0.00017; TOPMed 0.00018; ESP Exome Variant Server 0.00046.
gnomAD v4.1: 111 of 1,614,032 alleles (0.0069%); highest among the groups gnomAD compares: African/African-American, 0.061%; no homozygotes.

Submission:

PreventionGenetics, part of Exact Sciences
Classification: Likely benign for AGO3-related condition. Last evaluated: 2019-10-28. Review status: no assertion criteria provided. Collection method: clinical testing. Allele origin: germline.
Comment: This variant is classified as likely benign based on ACMG/AMP sequence variant interpretation guidelines (Richards et al. 2015 PMID: 25741868, with internal and published modifications).

NM_024852.4(AGO3):c.1791C>T (p.Ala597=)

Gene: AGO3 (argonaute RISC catalytic component 3; plus strand). Cytogenetic location: 1p34.3.
Variant type: single nucleotide variant.
Coding change: c.1791C>T on transcript NM_024852.4 (MANE Select); coding-DNA position 1791, C replaced by T.
Protein change: p.Ala597=; no amino-acid change (alanine 597 retained).
Molecular consequence: synonymous variant.
Genome position (GRCh38, 1-based): chr1:36,036,216, C>T. VCF-style: chr1-36036216-C-T. GRCh37 (hg19) VCF-style: chr1-36501817-C-T.
Other names: c.1089C>T, p.Ala363= (NM_177422.3).
Identifiers: ClinVar variation 3040228 (VCV003040228.2), dbSNP rs151098893, ClinGen allele CA763864.